The following is an entry in ClinVar:

NM_018489.3(ASH1L):c.6996C>T (p.Ile2332=)

Gene: ASH1L (ASH1 like histone lysine methyltransferase; minus strand). Cytogenetic location: 1q22.
Variant type: single nucleotide variant.
Coding change: c.6996C>T on transcript NM_018489.3 (MANE Select); coding-DNA position 6996, C replaced by T.
Protein change: p.Ile2332=; no amino-acid change (isoleucine 2332 retained).
Molecular consequence: synonymous variant.
Genome position (GRCh38, 1-based): chr1:155,357,375, G>A on the plus strand (C>T on the coding strand, the complement: ASH1L is on the minus strand). VCF-style: chr1-155357375-G-A. GRCh37 (hg19) VCF-style: chr1-155327166-G-A.
Other names: c.7011C>T, p.Ile2337= (NM_001366177.2).
Identifiers: ClinVar variation 3033198 (VCV003033198.3), dbSNP rs148906700, ClinGen allele CA1146207.
Genomic context (GRCh38, chr1:155,357,375, plus strand): 5'-CCTTTCACGATTGGACATTGGCTTCATCTGTAATTGGGGGGTCAATCTAGTTGGGGTGTT[G>A]ATATTTTCACTGGGTTCCTCAGAGAGATGGCCTCTCTGAAAAAGAGATGGATCAGATTAG-3'
Protein context (NP_060959.2, residues 2322-2342): GHLSEEPSEN[Ile2332=]NTPTRLTPQL

ClinVar aggregate classification (germline): Likely benign. Review status: criteria provided, single submitter (1 of 4 stars). 2 submissions from 2 submitters: Likely benign (1). 1 of the submissions does not count toward it. Last evaluated 2024-10-09.

Conditions:
ASH1L-related disorder. Also called: ASH1L-related condition.

Allele frequency attached by ClinVar (database versions not stated): gnomAD exomes 0.00011; ExAC 0.00048; 1000 Genomes Project 30x 0.00078; 1000 Genomes Project 0.00080; ESP Exome Variant Server 0.00100; gnomAD 0.00134; TOPMed 0.00159.
gnomAD v4.1: 377 of 1,613,878 alleles (0.023%); highest among the groups gnomAD compares: African/African-American, 0.43%; 1 homozygote.

Submissions (2):

Blueprint Genetics
Classification: Likely benign. Last evaluated: 2024-10-09. Review status: criteria provided, single submitter. Criteria: ACMG Guidelines, 2015. Collection method: clinical testing. Allele origin: germline.

PreventionGenetics, part of Exact Sciences
Classification: Likely benign for ASH1L-related condition. Last evaluated: 2019-06-11. Review status: no assertion criteria provided. Collection method: clinical testing. Allele origin: germline. Not counted in ClinVar's aggregate classification.
Comment: This variant is classified as likely benign based on ACMG/AMP sequence variant interpretation guidelines (Richards et al. 2015 PMID: 25741868, with internal and published modifications).